The following is an entry in ClinVar:

NM_001184.4(ATR):c.7012C>T (p.Leu2338=)

Gene: ATR (ATR checkpoint kinase; minus strand). Cytogenetic location: 3q23.
Variant type: single nucleotide variant.
Coding change: c.7012C>T on transcript NM_001184.4 (MANE Select); coding-DNA position 7012, C replaced by T.
Protein change: p.Leu2338=; no amino-acid change (leucine 2338 retained).
Molecular consequence: synonymous variant.
Genome position (GRCh38, 1-based): chr3:142,465,126, G>A on the plus strand (C>T on the coding strand, the complement: ATR is on the minus strand). VCF-style: chr3-142465126-G-A. GRCh37 (hg19) VCF-style: chr3-142183968-G-A.
Other names: c.6820C>T, p.Leu2274= (NM_001354579.2).
Identifiers: ClinVar variation 4745225 (VCV004745225.1).
Genomic context (GRCh38, chr3:142,465,126, plus strand): 5'-TAAATAAAATAAAAGCAAACTATCTCCCAACCTTATTAATCAAGGAATTGAATTCCATTA[G>A]TCTACAATCCTTTCTCAGGTCATCTTTTGGCTTACACATCATGATGTAGAACTTTCCATC-3'
Protein context (NP_001175.2, residues 2328-2348): PKDDLRKDCR[Leu2338=]MEFNSLINKC

ClinVar aggregate classification (germline): Uncertain significance (1 of 4 stars; one submission).

gnomAD v4.1: 2 of 1,588,872 alleles (0.00013%); highest among the groups gnomAD compares: South Asian, 0.0023%; no homozygotes.

Submission:

Labcorp Genetics (formerly Invitae), Labcorp
Classification: Uncertain significance. Last evaluated: 2025-05-04. Review status: criteria provided, single submitter. Criteria: Invitae Variant Classification Sherloc (09022015). Collection method: clinical testing. Allele origin: germline.
Comment: This sequence change affects codon 2338 of the ATR mRNA. It is a 'silent' change, meaning that it does not change the encoded amino acid sequence of the ATR protein. This variant is present in population databases (rs769563634, gnomAD 0.01%). This variant has not been reported in the literature in individuals affected with ATR-related conditions. Algorithms developed to predict the effect of sequence changes on RNA splicing suggest that this variant may create or strengthen a splice site. In summary, the available evidence is currently insufficient to determine the role of this variant in disease. Therefore, it has been classified as a Variant of Uncertain Significance.